The following is an entry in ClinVar:

NM_199420.4(POLQ):c.1627G>T (p.Val543Leu)

Gene: POLQ (DNA polymerase theta; minus strand). Cytogenetic location: 3q13.33.
Variant type: single nucleotide variant.
Coding change: c.1627G>T on transcript NM_199420.4 (MANE Select); coding-DNA position 1627, G replaced by T.
Protein change: p.Val543Leu; replaces valine 543 with leucine.
Molecular consequence: missense variant.
Genome position (GRCh38, 1-based): chr3:121,510,228, C>A on the plus strand (G>T on the coding strand, the complement: POLQ is on the minus strand). VCF-style: chr3-121510228-C-A. GRCh37 (hg19) VCF-style: chr3-121229075-C-A.
Other names: short protein forms V543L.
Identifiers: ClinVar variation 1776729 (VCV001776729.2), dbSNP rs780644922, ClinGen allele CA354115296.

ClinVar aggregate classification (germline): Uncertain significance (1 of 4 stars; one submission).

gnomAD v4.1: 1 of 1,610,428 alleles (0.000062%); highest among the groups gnomAD compares: Non-Finnish European, 0.000085%; no homozygotes.

Submission:

Ambry Genetics
Classification: Uncertain significance. Last evaluated: 2022-01-18. Review status: criteria provided, single submitter. Criteria: Ambry Variant Classification Scheme 2023. Collection method: clinical testing. Allele origin: germline.
Comment: The p.V543L variant (also known as c.1627G>T), located in coding exon 11 of the POLQ gene, results from a G to T substitution at nucleotide position 1627. The valine at codon 543 is replaced by leucine, an amino acid with highly similar properties. This amino acid position is conserved. In addition, this alteration is predicted to be tolerated by in silico analysis. Since supporting evidence is limited at this time, the clinical significance of this alteration remains unclear.